The following is an entry in ClinVar:

NM_030665.4(RAI1):c.5588C>G (p.Ala1863Gly)

Gene: RAI1 (retinoic acid induced 1; plus strand). Cytogenetic location: 17p11.2.
Variant type: single nucleotide variant.
Coding change: c.5588C>G on transcript NM_030665.4 (MANE Select); coding-DNA position 5588, C replaced by G.
Protein change: p.Ala1863Gly; replaces alanine 1863 with glycine.
Molecular consequence: missense variant.
Genome position (GRCh38, 1-based): chr17:17,803,778, C>G. VCF-style: chr17-17803778-C-G. GRCh37 (hg19) VCF-style: chr17-17707092-C-G.
Other names: short protein forms A1863G.
Identifiers: ClinVar variation 2100515 (VCV002100515.4), dbSNP rs2032536823, ClinGen allele CA398559875.
Genomic context (GRCh38, chr17:17,803,778, plus strand): 5'-AACTGGAGACTCACCTGCCTTTCCTTTCTCTTCATCAGATGTGTTCCAGCTGCCAAGAAG[C>G]CGGGGCCACCATTGGGTGCTGCCACAAAGGATGCCTCCACACCTACCACTACCCGTGTGC-3'
Protein context (NP_109590.3, residues 1853-1873): VDMMCSSCQE[Ala1863Gly]GATIGCCHKG

ClinVar aggregate classification (germline): Uncertain significance (1 of 4 stars; one submission).

Allele frequency attached by ClinVar (database versions not stated): TOPMed below 0.00001.

Submission:

Labcorp Genetics (formerly Invitae), Labcorp
Classification: Uncertain significance. Last evaluated: 2022-02-20. Review status: criteria provided, single submitter. Criteria: Invitae Variant Classification Sherloc (09022015). Collection method: clinical testing. Allele origin: germline.
Comment: In summary, the available evidence is currently insufficient to determine the role of this variant in disease. Therefore, it has been classified as a Variant of Uncertain Significance. Algorithms developed to predict the effect of missense changes on protein structure and function (SIFT, PolyPhen-2, Align-GVGD) all suggest that this variant is likely to be tolerated. This variant has not been reported in the literature in individuals affected with RAI1-related conditions. This variant is not present in population databases (gnomAD no frequency). This sequence change replaces alanine, which is neutral and non-polar, with glycine, which is neutral and non-polar, at codon 1863 of the RAI1 protein (p.Ala1863Gly).